The following is an entry in ClinVar:

ClinVar aggregate classification (germline): Likely benign (1 of 4 stars; one submission).

Allele frequency attached by ClinVar (database versions not stated): 1000 Genomes Project 30x 0.00078; 1000 Genomes Project 0.00080; gnomAD 0.00338; TOPMed 0.00387; ESP Exome Variant Server 0.00476; ExAC 0.00626.
gnomAD v4.1: 7,088 of 1,463,982 alleles (0.48%); highest among the groups gnomAD compares: Non-Finnish European, 0.59%; 24 homozygotes.

Submissions (4):

CeGaT Center for Human Genetics Tuebingen
Classification: Likely benign. Last evaluated: 2022-11-01. Review status: criteria provided, single submitter. Criteria: CeGaT Center For Human Genetics Tuebingen Variant Classification Criteria Version 2. Collection method: clinical testing. Allele origin: germline. Affected: yes. Observed: 1 variant allele.
Comment: PIK3C2G: BP4, BS2

Dr. Peter K. Rogan Lab, Western University
No classification provided (evidence only). Condition: Cervical cancer. Review status: no classification provided. Collection method: in vitro. Allele origin: not applicable. Functional consequence: retained intron. Not counted in ClinVar's aggregate classification.

Dr. Peter K. Rogan Lab, Western University
No classification provided (evidence only). Condition: Ovarian serous cystadenocarcinoma. Review status: no classification provided. Collection method: in vitro. Allele origin: not applicable. Functional consequence: retained intron. Not counted in ClinVar's aggregate classification.

Dr. Peter K. Rogan Lab, Western University
No classification provided (evidence only). Condition: Gastric cancer. Review status: no classification provided. Collection method: in vitro. Allele origin: not applicable. Functional consequence: retained intron. Not counted in ClinVar's aggregate classification.

NM_001288772.2(PIK3C2G):c.4309-8G>A

Genes: PIK3C2G (phosphatidylinositol-4-phosphate 3-kinase catalytic subunit type 2 gamma; plus strand), PLCZ1 (phospholipase C zeta 1; minus strand). Cytogenetic location: 12p12.3.
Variant type: single nucleotide variant.
Coding change: c.4309-8G>A on transcript NM_001288772.2 (MANE Select); 8 bases into the intron before coding-DNA position 4309, G replaced by A.
Molecular consequence: intron variant.
Genome position (GRCh38, 1-based): chr12:18,647,868, G>A. VCF-style: chr12-18647868-G-A. GRCh37 (hg19) VCF-style: chr12-18800802-G-A.
Other names: NC_000012.11:g.18800802G>A; c.4186-8G>A (NM_004570.6); c.3643-8G>A (NM_001288774.2).
Identifiers: ClinVar variation 2642767 (VCV002642767.25), dbSNP rs117378660, ClinGen allele CA6470962.
Genomic context (GRCh38, chr12:18,647,868, plus strand): 5'-CAATACTCAAAAAAGAGATGTATTTAAGCATTTCTGATTTATATTTTCATTATTTTCTCC[G>A]TTTTTAGGTAGTATATGATGAAGTCACAGAGCTCCAAGGACATGTCTTAATGCTTATTGT-3'